The following is an entry in ClinVar:

NM_177550.5(SLC13A5):c.505G>A (p.Gly169Ser)

Gene: SLC13A5 (solute carrier family 13 member 5; minus strand). Cytogenetic location: 17p13.1.
Variant type: single nucleotide variant.
Coding change: c.505G>A on transcript NM_177550.5 (MANE Select); coding-DNA position 505, G replaced by A.
Protein change: p.Gly169Ser; replaces glycine 169 with serine.
Molecular consequence: missense variant.
Genome position (GRCh38, 1-based): chr17:6,703,920, C>T on the plus strand (G>A on the coding strand, the complement: SLC13A5 is on the minus strand). VCF-style: chr17-6703920-C-T. GRCh37 (hg19) VCF-style: chr17-6607239-C-T.
Other names: c.505G>A, p.Gly169Ser (NM_001143838.3); c.454G>A, p.Gly152Ser (NM_001284509.2); c.376G>A, p.Gly126Ser (NM_001284510.2); c.505G>A (NM_177550.3); short protein forms G126S, G169S, G152S.
Identifiers: ClinVar variation 846566 (VCV000846566.39), dbSNP rs199620361, ClinGen allele CA8331696.

ClinVar aggregate classification (germline): Conflicting classifications of pathogenicity. Review status: criteria provided, conflicting classifications (1 of 4 stars). 5 submissions from 5 submitters: Uncertain significance (3); Likely benign (2). Last evaluated 2026-07-01.

Conditions:
Inborn genetic diseases. Identifiers: MedGen C0950123, MeSH D030342.
Developmental and epileptic encephalopathy, 25 (DEE25). Also called: Epileptic encephalopathy, early infantile, 25; Developmental and epileptic encephalopathy 25, with amelogenesis imperfecta; Epileptic encephalopathy, early infantile, 25, with amelogenesis imperfecta. Identifiers: Orphanet 442835, MedGen C4014621, MONDO:0014392, OMIM 615905.

Allele frequency attached by ClinVar (database versions not stated): gnomAD 0.00004; gnomAD exomes 0.00004 and 0.00006; TOPMed 0.00005; ExAC 0.00006; 1000 Genomes Project 30x 0.00016; 1000 Genomes Project 0.00020; ESP Exome Variant Server 0.00023.
gnomAD v4.1: 97 of 1,589,866 alleles (0.0061%); highest among the groups gnomAD compares: Non-Finnish European, 0.0075%; no homozygotes.

Submissions (5):

CeGaT Center for Human Genetics Tuebingen
Classification: Likely benign. Last evaluated: 2026-07-01. Review status: criteria provided, single submitter. Criteria: CeGaT Center For Human Genetics Tuebingen Variant Classification Criteria Version 2. Collection method: clinical testing. Allele origin: germline. Affected: yes. Observed: 2 variant alleles.
Comment: SLC13A5: BP4

Labcorp Genetics (formerly Invitae), Labcorp
Classification: Uncertain significance for Developmental and epileptic encephalopathy, 25. Last evaluated: 2024-11-05. Review status: criteria provided, single submitter. Criteria: Invitae Variant Classification Sherloc (09022015). Collection method: clinical testing. Allele origin: germline.
Comment: This sequence change replaces glycine, which is neutral and non-polar, with serine, which is neutral and polar, at codon 169 of the SLC13A5 protein (p.Gly169Ser). This variant is present in population databases (rs199620361, gnomAD 0.01%). This variant has not been reported in the literature in individuals affected with SLC13A5-related conditions. ClinVar contains an entry for this variant (Variation ID: 846566). An algorithm developed to predict the effect of missense changes on protein structure and function outputs the following: PolyPhen-2: "Benign". The serine amino acid residue is found in multiple mammalian species, which suggests that this missense change does not adversely affect protein function. In summary, the available evidence is currently insufficient to determine the role of this variant in disease. Therefore, it has been classified as a Variant of Uncertain Significance.

GeneDx
Classification: Uncertain significance. Last evaluated: 2024-07-16. Review status: criteria provided, single submitter. Criteria: GeneDx Variant Classification Process June 2021. Collection method: clinical testing. Allele origin: germline. Affected: yes.
Comment: Not observed at significant frequency in large population cohorts (gnomAD); In silico analysis indicates that this missense variant does not alter protein structure/function; Has not been previously published as pathogenic or benign to our knowledge

Ambry Genetics
Classification: Likely benign for Inborn genetic diseases. Last evaluated: 2023-03-20. Review status: criteria provided, single submitter. Criteria: Ambry Variant Classification Scheme 2023. Collection method: clinical testing. Allele origin: germline.

Genome-Nilou Lab
Classification: Uncertain significance for Developmental and epileptic encephalopathy, 25. Last evaluated: 2021-07-15. Review status: criteria provided, single submitter. Criteria: ACMG Guidelines, 2015. Collection method: clinical testing. Allele origin: germline. Affected: no.